The following is an entry in ClinVar:

NM_000531.6(OTC):c.664-1G>A

Gene: OTC (ornithine transcarbamylase; plus strand). Cytogenetic location: Xp11.4.
Variant type: single nucleotide variant.
Coding change: c.664-1G>A on transcript NM_000531.6 (MANE Select); the canonical splice acceptor site of the intron before coding-DNA position 664, G replaced by A.
Molecular consequence: splice acceptor variant.
Genome position (GRCh38, 1-based): chrX:38,408,741, G>A. VCF-style: chrX-38408741-G-A. GRCh37 (hg19) VCF-style: chrX-38267994-G-A.
Other names: c.664-1G>A (NM_001407092.1).
Identifiers: ClinVar variation 97288 (VCV000097288.2), dbSNP rs67839036, ClinGen allele CA224737.

ClinVar aggregate classification (germline): Pathogenic (0 of 4 stars; one submission).

Submission:

GenMed Metabolism Lab
Classification: Pathogenic. Review status: no assertion criteria provided. Collection method: not provided. Allele origin: unknown.
Comment: Neonatal, Acceptor splice site error
ClinVar note: Converted during submission from pathogenic to Pathogenic.